The following is an entry in ClinVar:

NM_000054.7(AVPR2):c.125C>T (p.Ala42Val)

Gene: AVPR2 (arginine vasopressin receptor 2; plus strand). Cytogenetic location: Xq28.
Variant type: single nucleotide variant.
Coding change: c.125C>T on transcript NM_000054.7 (MANE Select); coding-DNA position 125, C replaced by T.
Protein change: p.Ala42Val; replaces alanine 42 with valine.
Molecular consequence: missense variant.
Genome position (GRCh38, 1-based): chrX:153,905,631, C>T. VCF-style: chrX-153905631-C-T. GRCh37 (hg19) VCF-style: chrX-153171085-C-T.
Other names: c.125C>T, p.Ala42Val (NM_001146151.3); c.125C>T (NM_000054.6); short protein forms A42V.
Identifiers: ClinVar variation 368072 (VCV000368072.15), dbSNP rs5198, ClinGen allele CA10554950.
Genomic context (GRCh38, chrX:153,905,631, plus strand): 5'-ACAGCAGCCAGGAGAGGCCACTGGACACCCGGGACCCGCTGCTAGCCCGGGCGGAGCTGG[C>T]GCTGCTCTCCATAGTCTTTGTGGCTGTGGCCCTGAGCAATGGCCTGGTGCTGGCGGCCCT-3'
Protein context (NP_000045.1, residues 32-52): RDPLLARAEL[Ala42Val]LLSIVFVAVA

ClinVar aggregate classification (germline): Benign. Review status: criteria provided, multiple submitters, no conflicts (2 of 4 stars). 4 submissions from 4 submitters: Benign (4). Last evaluated 2026-02-02.

Conditions:
Diabetes insipidus, nephrogenic, X-linked. Also called: Nephrogenic Diabetes Insipidus, Type I. Identifiers: Orphanet 223, MedGen C1563705, MONDO:0010581, OMIM 304800.

Allele frequency attached by ClinVar (database versions not stated): gnomAD exomes 0.00095 and 0.00260; 1000 Genomes Project 0.00795; gnomAD 0.00950 and 0.01023; ExAC 0.00383; 1000 Genomes Project 30x 0.00791; TOPMed 0.01125; ESP Exome Variant Server 0.01215.

Submissions (4):

Labcorp Genetics (formerly Invitae), Labcorp
Classification: Benign. Last evaluated: 2026-02-02. Review status: criteria provided, single submitter. Criteria: Invitae Variant Classification Sherloc (09022015). Collection method: clinical testing. Allele origin: germline.

Mayo Clinic Laboratories, Mayo Clinic
Classification: Benign. Last evaluated: 2024-09-17. Review status: criteria provided, single submitter. Criteria: ACMG Guidelines, 2015. Collection method: clinical testing. Allele origin: germline. Observed: 2 variant alleles.
Comment: BS1, BS2, BP4

Illumina Laboratory Services, Illumina
Classification: Benign for Diabetes insipidus, nephrogenic, X-linked. Last evaluated: 2018-01-13. Review status: criteria provided, single submitter. Criteria: ICSL Variant Classification Criteria 13 December 2019. Collection method: clinical testing. Allele origin: germline.
Comment: This variant was observed in the ICSL laboratory as part of a predisposition screen in an ostensibly healthy population. It had not been previously curated by ICSL or reported in the Human Gene Mutation Database (HGMD: prior to June 1st, 2018), and was therefore a candidate for classification through an automated scoring system. Utilizing variant allele frequency, disease prevalence and penetrance estimates, and inheritance mode, an automated score was calculated to assess if this variant is too frequent to cause the disease. Based on the score and internal cut-off values, a variant classified as benign is not then subjected to further curation. The score for this variant resulted in a classification of benign for this disease.

Breakthrough Genomics
Classification: Benign. Review status: criteria provided, single submitter. Criteria: ACMG Guidelines, 2015. Collection method: not provided. Allele origin: germline. Inheritance: X-linked inheritance. Affected: yes.